The following is an entry in ClinVar:

NM_001375524.1(TRRAP):c.7910T>C (p.Val2637Ala)

Gene: TRRAP (transformation/transcription domain associated protein; plus strand). Cytogenetic location: 7q22.1.
Variant type: single nucleotide variant.
Coding change: c.7910T>C on transcript NM_001375524.1 (MANE Select); coding-DNA position 7910, T replaced by C.
Protein change: p.Val2637Ala; replaces valine 2637 with alanine.
Molecular consequence: missense variant.
Genome position (GRCh38, 1-based): chr7:98,976,219, T>C. VCF-style: chr7-98976219-T-C. GRCh37 (hg19) VCF-style: chr7-98573842-T-C.
Other names: c.7889T>C, p.Val2630Ala (NM_001244580.2); c.7835T>C, p.Val2612Ala (NM_003496.4); short protein forms V2612A, V2630A, V2637A.
Identifiers: ClinVar variation 2444759 (VCV002444759.2), dbSNP rs2484946486, ClinGen allele CA368301159.

ClinVar aggregate classification (germline): Uncertain significance. Review status: criteria provided, multiple submitters, no conflicts (2 of 4 stars). 2 submissions from 2 submitters: Uncertain significance (2). Last evaluated 2025-11-04.

Submissions (2):

Labcorp Genetics (formerly Invitae), Labcorp
Classification: Uncertain significance. Last evaluated: 2025-11-04. Review status: criteria provided, single submitter. Criteria: Invitae Variant Classification Sherloc (09022015). Collection method: clinical testing. Allele origin: germline.
Comment: This sequence change replaces valine, which is neutral and non-polar, with alanine, which is neutral and non-polar, at codon 2612 of the TRRAP protein (p.Val2612Ala). This variant is not present in population databases (gnomAD no frequency). This variant has not been reported in the literature in individuals affected with TRRAP-related conditions. This missense change has been observed in at least one individual who was not affected with TRRAP-related conditions (internal data). ClinVar contains an entry for this variant (Variation ID: 2444759). Invitae Evidence Modeling of protein sequence and biophysical properties (such as structural, functional, and spatial information, amino acid conservation, physicochemical variation, residue mobility, and thermodynamic stability) indicates that this missense variant is expected to disrupt TRRAP protein function with a positive predictive value of 80%. In summary, the available evidence is currently insufficient to determine the role of this variant in disease. Therefore, it has been classified as a Variant of Uncertain Significance.

GeneDx
Classification: Uncertain significance. Last evaluated: 2022-09-16. Review status: criteria provided, single submitter. Criteria: GeneDx Variant Classification Process June 2021. Collection method: clinical testing. Allele origin: germline. Affected: yes.
Comment: Not observed at significant frequency in large population cohorts (gnomAD); In silico analysis supports that this missense variant does not alter protein structure/function; Has not been previously published as pathogenic or benign to our knowledge